The following is an entry in ClinVar:

ClinVar aggregate classification (germline): Pathogenic/Likely pathogenic. Review status: criteria provided, multiple submitters, no conflicts (2 of 4 stars). 8 submissions from 8 submitters: Pathogenic (2); Likely pathogenic (6). Last evaluated 2026-10-16.

Conditions:
Leigh syndrome (NULS). Also called: Leigh Syndrome (mtDNA deletion); Leigh's syndrome; LEIGH SYNDROME, NUCLEAR; Leigh Disease; Subacute necrotizing encephalopathy; Necrotizing encephalopathy infantile subacute of Leigh. Identifiers: Orphanet 506, MedGen C2931891, MONDO:0009723, OMIM 256000.
Mitochondrial DNA depletion syndrome 13. Also called: FBXL4-Related Encephalomyopathic Mitochondrial DNA Depletion Syndrome; Mitochondrial DNA depletion syndrome 13 (encephalomyopathic type). Identifiers: Orphanet 369897, MedGen C3809592, MONDO:0014198, OMIM 615471.

Allele frequency attached by ClinVar (database versions not stated): gnomAD exomes 0.00001; ExAC 0.00001; TOPMed 0.00012; gnomAD 0.00014.

Submissions (8):

GeneDx
Classification: Likely pathogenic. Last evaluated: 2026-10-16. Review status: criteria provided, single submitter. Criteria: GeneDx Variant Classification Process June 2021. Collection method: clinical testing. Allele origin: germline.
Comment: Not observed at significant frequency in large population cohorts (gnomAD); In silico analysis supports that this missense variant has a deleterious effect on protein structure/function; This variant is associated with the following publications: (PMID: 25868664, 27743463, 30804983)

Dasa
Classification: Likely pathogenic. Last evaluated: 2025-06-05. Review status: criteria provided, single submitter. Criteria: DASA Assertion Criteria. Collection method: clinical testing. Allele origin: germline.
Comment: NM_001278716.2(FBXL4):c.1232G>A (p.Cys411Tyr) is a missense variant that results in the substitution of cysteine with tyrosine. This variant has been reported in individuals with FBXL4-related disorders (PMID: 30804983). Also, this variant is rare in population databases. Based on the currently available evidence, this variant is classified as likely pathogenic.

Labcorp Genetics (formerly Invitae), Labcorp
Classification: Pathogenic. Last evaluated: 2025-05-11. Review status: criteria provided, single submitter. Criteria: Invitae Variant Classification Sherloc (09022015). Collection method: clinical testing. Allele origin: germline.
Comment: This sequence change replaces cysteine, which is neutral and slightly polar, with tyrosine, which is neutral and polar, at codon 411 of the FBXL4 protein (p.Cys411Tyr). This variant is present in population databases (rs773850151, gnomAD 0.01%). This missense change has been observed in individual(s) with clinical features of mitochondrial DNA depletion syndrome (PMID: 25868664, 27743463; internal data). In at least one individual the data is consistent with being in trans (on the opposite chromosome) from a pathogenic variant. ClinVar contains an entry for this variant (Variation ID: 437475). Invitae Evidence Modeling of protein sequence and biophysical properties (such as structural, functional, and spatial information, amino acid conservation, physicochemical variation, residue mobility, and thermodynamic stability) indicates that this missense variant is expected to disrupt FBXL4 protein function with a positive predictive value of 95%. For these reasons, this variant has been classified as Pathogenic.

Women's Health and Genetics/Laboratory Corporation of America, LabCorp
Classification: Pathogenic for Leigh syndrome. Last evaluated: 2024-10-14. Review status: criteria provided, single submitter. Criteria: LabCorp Variant Classification Summary - May 2015. Collection method: clinical testing. Allele origin: germline.
Comment: Variant summary: FBXL4 c.1232G>A (p.Cys411Tyr) results in a non-conservative amino acid change in the encoded protein sequence. Four of five in-silico tools predict a damaging effect of the variant on protein function. The variant allele was found at a frequency of 8e-06 in 251112 control chromosomes. c.1232G>A has been reported in the literature and internally in the presumed compound heterozygous, compound heterozygous, or homozygous state in multiple individuals affected with clinical features of FBXL4-deficiency (example, Dai_2017, Huemer_2015, Labcorp (formerly Invitae)). These data indicate that the variant is very likely to be associated with disease. To our knowledge, no experimental evidence demonstrating an impact on protein function has been reported. The following publications have been ascertained in the context of this evaluation (PMID: 27743463, 25868664, NO_PMID). ClinVar contains an entry for this variant (Variation ID: 437475). Based on the evidence outlined above, the variant was classified as pathogenic.

Revvity Omics, Revvity
Classification: Likely pathogenic for Mitochondrial DNA depletion syndrome 13. Last evaluated: 2020-09-02. Review status: criteria provided, single submitter. Criteria: ACMG Guidelines, 2015. Collection method: clinical testing. Allele origin: germline.

Broad Center for Mendelian Genomics, Broad Institute of MIT and Harvard
Classification: Likely pathogenic for Mitochondrial DNA depletion syndrome 13. Last evaluated: 2018-11-15. Review status: criteria provided, single submitter. Criteria: ACMG Guidelines, 2015. Collection method: research. Allele origin: germline. Inheritance: Autosomal recessive inheritance. Affected: yes.
Comment: This variant has been reported likely pathogenic in ClinVar by Baylor College of Medicine (ClinVar ID: 437475). This variant has been identified in <0.01% (3/24022) of African chromosomes by the Genome Aggregation Database (gnomAD; dbSNP rs773850151). Although this variant has been seen in the general population, its frequency is low enough to be consistent with a recessive carrier frequency. Computational prediction tools and conservation analyses do not provide strong support for or against an impact to the protein. In summary, although additional studies are required to fully establish its clinical significance, this variant is likely pathogenic.

Fulgent Genetics
Classification: Likely pathogenic for Mitochondrial DNA depletion syndrome 13. Last evaluated: 2018-10-31. Review status: criteria provided, single submitter. Criteria: ACMG Guidelines, 2015. Collection method: clinical testing. Allele origin: unknown.

Wong Mito Lab, Molecular and Human Genetics, Baylor College of Medicine
Classification: Likely pathogenic for Mitochondrial DNA depletion syndrome 13. Last evaluated: 2017-08-10. Review status: criteria provided, single submitter. Criteria: ACMG Guidelines, 2015. Collection method: clinical testing. Allele origin: germline. Affected: yes.
Comment: The NM_012160.4:c.1232G>A (NP_036292.2:p.Cys411Tyr) [GRCH38: NC_000006.12:g.98899353C>T] variant in FBXL4 gene is interpretated to be a Likely Pathogenic based on ACMG guidelines (PMID: 25741868). This variant has been reported in PMID:25868664 ; 27743463 . This variant meets one or more of the following evidence codes reported in the ACMG-guideline. PM2:This variant is absent in key population databases. PM3:Detected in trans with a pathogenic variant for Mitochondrial DNA depletion syndrome 13 which is a recessive disorder. PP1:This variant is co-segregated with Mitochondrial DNA depletion syndrome 13 in multiple affected family members. PP2:This is a missense variant in FBXL4 with a low rate of benign and high rate of pathogenic missense variations. PP3:Computational evidence/predictors indicate the variant has deleterious effect on FBXL4 structure, function, or protein-protein interaction. PP4:Patientâ€™s phenotype or family history is highly specific for FBXL4. PP5:Reputable source(s) suggest that the variant is pathogenic. Based on this evidence code ClinGen Pathogenicity Calculator (PMID:28081714) suggested that the variant is Likely Pathogenic.

Literature cited by the submitters: PubMed 30804983 (cited by Dasa); PubMed 25868664 (cited by 4 submitters); PubMed 27743463 (cited by 4 submitters).

NM_001278716.2(FBXL4):c.1232G>A (p.Cys411Tyr)

Gene: FBXL4 (F-box and leucine rich repeat protein 4; minus strand). Cytogenetic location: 6q16.1.
Variant type: single nucleotide variant.
Coding change: c.1232G>A on transcript NM_001278716.2 (MANE Select); coding-DNA position 1232, G replaced by A.
Protein change: p.Cys411Tyr; replaces cysteine 411 with tyrosine.
Molecular consequence: missense variant. On other transcripts: non-coding transcript variant (2).
Genome position (GRCh38, 1-based): chr6:98,899,353, C>T on the plus strand (G>A on the coding strand, the complement: FBXL4 is on the minus strand). VCF-style: chr6-98899353-C-T. GRCh37 (hg19) VCF-style: chr6-99347229-C-T.
Other names: c.1232G>A, p.Cys411Tyr (NM_012160.5); c.1232G>A (NM_012160.3); short protein forms C411Y.
Identifiers: ClinVar variation 437475 (VCV000437475.23), dbSNP rs773850151, ClinGen allele CA3933499.